The following is an entry in ClinVar:

ClinVar aggregate classification (germline): Likely benign. Review status: criteria provided, multiple submitters, no conflicts (2 of 4 stars). 2 submissions from 2 submitters: Likely benign (2). Last evaluated 2025-07-14.

Conditions:
Dystonia 12 (DYT12). Also called: DYT-ATP1A3; Rapid-Onset Dystonia-Parkinsonism (RDP). Identifiers: Orphanet 71517, MedGen C1868681, MONDO:0007496, OMIM 128235.

Allele frequency attached by ClinVar (database versions not stated): gnomAD exomes 0.00001 and 0.00002; TOPMed 0.00002; gnomAD 0.00001.
gnomAD v4.1: 26 of 1,613,996 alleles (0.0016%); highest among the groups gnomAD compares: Non-Finnish European, 0.0019%; no homozygotes.

Submissions (2):

Labcorp Genetics (formerly Invitae), Labcorp
Classification: Likely benign for Dystonia 12. Last evaluated: 2025-07-14. Review status: criteria provided, single submitter. Criteria: Invitae Variant Classification Sherloc (09022015). Collection method: clinical testing. Allele origin: germline.

CeGaT Center for Human Genetics Tuebingen
Classification: Likely benign. Last evaluated: 2024-11-01. Review status: criteria provided, single submitter. Criteria: CeGaT Center For Human Genetics Tuebingen Variant Classification Criteria Version 2. Collection method: clinical testing. Allele origin: germline. Affected: yes. Observed: 1 variant allele.
Comment: ATP1A3: BP4, BP7

NM_152296.5(ATP1A3):c.468C>G (p.Pro156=)

Gene: ATP1A3 (ATPase Na+/K+ transporting subunit alpha 3; minus strand). Cytogenetic location: 19q13.2.
Variant type: single nucleotide variant.
Coding change: c.468C>G on transcript NM_152296.5 (MANE Select); coding-DNA position 468, C replaced by G.
Protein change: p.Pro156=; no amino-acid change (proline 156 retained).
Molecular consequence: synonymous variant.
Genome position (GRCh38, 1-based): chr19:41,986,119, G>C on the plus strand (C>G on the coding strand, the complement: ATP1A3 is on the minus strand). VCF-style: chr19-41986119-G-C. GRCh37 (hg19) VCF-style: chr19-42490271-G-C.
Other names: c.501C>G, p.Pro167= (NM_001256213.2); c.507C>G, p.Pro169= (NM_001256214.2).
Identifiers: ClinVar variation 698414 (VCV000698414.24), dbSNP rs1035085048, ClinGen allele CA308597908.